The following is an entry in ClinVar:

ClinVar aggregate classification (germline): Benign. Review status: criteria provided, multiple submitters, no conflicts (2 of 4 stars). 2 submissions from 2 submitters: Benign (2). Last evaluated 2018-01-12.

Conditions:
Nephronophthisis-like nephropathy 1 (NPHPL1). Identifiers: Orphanet 655, MedGen C3150419, MONDO:0013163, OMIM 613159.

Allele frequency attached by ClinVar (database versions not stated): gnomAD exomes 0.00347; 1000 Genomes Project 0.04493; 1000 Genomes Project 30x 0.04731; TOPMed 0.04986.
gnomAD v4.1: 6,684 of 151,838 alleles (4.4%); highest among the groups gnomAD compares: African/African-American, 15%; 475 homozygotes.

Submissions (2):

Illumina Laboratory Services, Illumina
Classification: Benign for Nephronophthisis-like nephropathy 1. Last evaluated: 2018-01-12. Review status: criteria provided, single submitter. Criteria: ICSL Variant Classification Criteria 13 December 2019. Collection method: clinical testing. Allele origin: germline.
Comment: This variant was observed in the ICSL laboratory as part of a predisposition screen in an ostensibly healthy population. It had not been previously curated by ICSL or reported in the Human Gene Mutation Database (HGMD: prior to June 1st, 2018), and was therefore a candidate for classification through an automated scoring system. Utilizing variant allele frequency, disease prevalence and penetrance estimates, and inheritance mode, an automated score was calculated to assess if this variant is too frequent to cause the disease. Based on the score and internal cut-off values, a variant classified as benign is not then subjected to further curation. The score for this variant resulted in a classification of benign for this disease.

Breakthrough Genomics
Classification: Benign. Review status: criteria provided, single submitter. Criteria: ACMG Guidelines, 2015. Collection method: not provided. Allele origin: germline. Inheritance: Autosomal recessive inheritance. Affected: yes.

NM_022098.4(XPNPEP3):c.*2881C>G

Gene: XPNPEP3 (X-prolyl aminopeptidase 3; plus strand). Cytogenetic location: 22q13.2.
Variant type: single nucleotide variant.
Coding change: c.*2881C>G on transcript NM_022098.4 (MANE Select); 2881 bases downstream of the stop codon, C replaced by G.
Molecular consequence: 3 prime UTR variant.
Genome position (GRCh38, 1-based): chr22:40,929,316, C>G. VCF-style: chr22-40929316-C-G. GRCh37 (hg19) VCF-style: chr22-41325320-C-G.
Identifiers: ClinVar variation 341721 (VCV000341721.6), dbSNP rs9623283, ClinGen allele CA10651343.